The following is an entry in ClinVar:

ClinVar aggregate classification (germline): Likely benign (0 of 4 stars; one submission).

Conditions:
MICOS13-related disorder. Also called: MICOS13-related condition.

Allele frequency attached by ClinVar (database versions not stated): gnomAD exomes below 0.00001; ExAC 0.00002; gnomAD 0.00003; TOPMed 0.00003; ESP Exome Variant Server 0.00015; 1000 Genomes Project 30x 0.00016; 1000 Genomes Project 0.00020.

Submission:

PreventionGenetics, part of Exact Sciences
Classification: Likely benign for MICOS13-related condition. Last evaluated: 2022-07-13. Review status: no assertion criteria provided. Collection method: clinical testing. Allele origin: germline.
Comment: This variant is classified as likely benign based on ACMG/AMP sequence variant interpretation guidelines (Richards et al. 2015 PMID: 25741868, with internal and published modifications).

NM_205767.3(MICOS13):c.54T>A (p.Ala18=)

Genes: MICOS13 (mitochondrial contact site and cristae organizing system subunit 13; minus strand), LOC130063256 (ATAC-STARR-seq lymphoblastoid active region 13805; plus strand). Cytogenetic location: 19p13.3.
Variant type: single nucleotide variant.
Coding change: c.54T>A on transcript NM_205767.3 (MANE Select); coding-DNA position 54, T replaced by A.
Protein change: p.Ala18=; no amino-acid change (alanine 18 retained).
Molecular consequence: synonymous variant.
Genome position (GRCh38, 1-based): chr19:5,679,739, A>T on the plus strand (T>A on the coding strand, the complement: MICOS13 is on the minus strand). VCF-style: chr19-5679739-A-T. GRCh37 (hg19) VCF-style: chr19-5679750-A-T.
Other names: c.120T>A, p.Ala40= (NM_001308240.2, NM_001365761.2).
Identifiers: ClinVar variation 3032293 (VCV003032293.2), dbSNP rs146797527, ClinGen allele CA9113317.